The following is an entry in ClinVar:

NM_001365951.3(KIF1B):c.2830G>A (p.Gly944Ser)

Genes: KIF1B (kinesin family member 1B; plus strand), LOC126805614 (BRD4-independent group 4 enhancer GRCh37_chr1:10385546-10386745; plus strand). Cytogenetic location: 1p36.22.
Variant type: single nucleotide variant.
Coding change: c.2830G>A on transcript NM_001365951.3 (MANE Select); coding-DNA position 2830, G replaced by A.
Protein change: p.Gly944Ser; replaces glycine 944 with serine.
Molecular consequence: missense variant.
Genome position (GRCh38, 1-based): chr1:10,326,265, G>A. VCF-style: chr1-10326265-G-A. GRCh37 (hg19) VCF-style: chr1-10386323-G-A.
Other names: c.2830G>A, p.Gly944Ser (NM_001365952.1); c.2692G>A, p.Gly898Ser (NM_015074.3); short protein forms G898S, G944S.
Identifiers: ClinVar variation 291562 (VCV000291562.8), dbSNP rs755314640, ClinGen allele CA581622.

ClinVar aggregate classification (germline): Uncertain significance. Review status: criteria provided, multiple submitters, no conflicts (2 of 4 stars). 3 submissions from 3 submitters: Uncertain significance (3). Last evaluated 2024-05-04.

Conditions:
Charcot-Marie-Tooth disease type 2A1. Also called: CHARCOT-MARIE-TOOTH DISEASE, AXONAL, TYPE 2A1; CHARCOT-MARIE-TOOTH DISEASE, AXONAL, AUTOSOMAL DOMINANT, TYPE 2A1; CHARCOT-MARIE-TOOTH DISEASE, NEURONAL, TYPE 2A1; CHARCOT-MARIE-TOOTH NEUROPATHY, TYPE 2A1; HEREDITARY MOTOR AND SENSORY NEUROPATHY IIA1. Identifiers: Orphanet 99946, MedGen C1861678, MONDO:0007308, OMIM 118210.
Neuroblastoma (NB). Identifiers: Orphanet 635, MedGen C0027819, MeSH D009447, MONDO:0005072, HP:0003006.

Allele frequency attached by ClinVar (database versions not stated): gnomAD 0.00001; gnomAD exomes 0.00001 and below 0.00001; ExAC 0.00001.
gnomAD v4.1: 6 of 1,614,064 alleles (0.00037%); highest among the groups gnomAD compares: South Asian, 0.0011%; no homozygotes.

Submissions (3):

Ambry Genetics
Classification: Uncertain significance. Last evaluated: 2024-05-04. Review status: criteria provided, single submitter. Criteria: Ambry Variant Classification Scheme 2023. Collection method: clinical testing. Allele origin: germline.
Comment: The p.G898S variant (also known as c.2692G>A), located in coding exon 24 of the KIF1B gene, results from a G to A substitution at nucleotide position 2692. The glycine at codon 898 is replaced by serine, an amino acid with similar properties. This amino acid position is conserved. In addition, this alteration is predicted to be tolerated by in silico analysis. Since supporting evidence is limited at this time, the clinical significance of this alteration remains unclear.

Illumina Laboratory Services, Illumina
Classification: Uncertain significance for Neuroblastoma. Last evaluated: 2018-01-12. Review status: criteria provided, single submitter. Criteria: ICSL Variant Classification Criteria 13 December 2019. Collection method: clinical testing. Allele origin: germline.

Neuberg Centre For Genomic Medicine, NCGM
Classification: Uncertain significance for Charcot-Marie-Tooth disease type 2A1. Review status: criteria provided, single submitter. Criteria: ACMG Guidelines, 2015. Collection method: clinical testing. Allele origin: germline. Inheritance: Autosomal dominant inheritance. Affected: yes.
Comment: The missense variant c.2830G>A (p.Gly944Ser) in KIF1B gene has not been reported previously as a pathogenic variant nor as a benign variant, to our knowledge. This variant has been reported to the ClinVar database as Uncertain Significance. The p.Gly944Ser variant is reported with allele frequency of 0.0008% in gnomAD exomes and novel (not in any individuals) in 1000 Genomes. The amino acid Gly at position 944 is changed to a Ser changing protein sequence and it might alter its composition and physico-chemical properties. The amino acid change p.Gly944Ser in KIF1B is predicted as conserved by GERP++ and PhyloP across 100 vertebrates. For these reasons, this variant has been classified as Uncertain Significance .